The following is an entry in ClinVar:

NM_177438.3(DICER1):c.4567T>C (p.Phe1523Leu)

Gene: DICER1 (dicer 1, ribonuclease III; minus strand). Cytogenetic location: 14q32.13.
Variant type: single nucleotide variant.
Coding change: c.4567T>C on transcript NM_177438.3 (MANE Select); coding-DNA position 4567, T replaced by C.
Protein change: p.Phe1523Leu; replaces phenylalanine 1523 with leucine.
Molecular consequence: missense variant. On other transcripts: non-coding transcript variant (6).
Genome position (GRCh38, 1-based): chr14:95,096,353, A>G on the plus strand (T>C on the coding strand, the complement: DICER1 is on the minus strand). VCF-style: chr14-95096353-A-G. GRCh37 (hg19) VCF-style: chr14-95562690-A-G.
Other names: c.4567T>C, p.Phe1523Leu (NM_001195573.1, NM_001271282.3, NM_001291628.2 and 13 more transcripts); c.4285T>C, p.Phe1429Leu (NM_001395686.1); c.4162T>C, p.Phe1388Leu (NM_001395687.1, NM_001395688.1, NM_001395689.1 and 2 more transcripts); c.4000T>C, p.Phe1334Leu (NM_001395691.1); c.2884T>C, p.Phe962Leu (NM_001395697.1); short protein forms F1388L, F1429L, F962L, F1334L, F1523L.
Identifiers: ClinVar variation 2818229 (VCV002818229.3), dbSNP rs2542495880, ClinGen allele CA390867798.

ClinVar aggregate classification (germline): Uncertain significance (1 of 4 stars; one submission).

Conditions:
DICER1-related tumor predisposition. Also called: DICER1-related pleuropulmonary blastoma cancer predisposition syndrome; DICER1 syndrome. Identifiers: Orphanet 284343, MedGen C3839822, MONDO:0100216.

Submission:

Labcorp Genetics (formerly Invitae), Labcorp
Classification: Uncertain significance for DICER1-related tumor predisposition. Last evaluated: 2022-12-03. Review status: criteria provided, single submitter. Criteria: Invitae Variant Classification Sherloc (09022015). Collection method: clinical testing. Allele origin: germline.
Comment: In summary, the available evidence is currently insufficient to determine the role of this variant in disease. Therefore, it has been classified as a Variant of Uncertain Significance. Algorithms developed to predict the effect of missense changes on protein structure and function are either unavailable or do not agree on the potential impact of this missense change (SIFT: "Deleterious"; PolyPhen-2: "Probably Damaging"; Align-GVGD: "Class C0"). This variant has not been reported in the literature in individuals affected with DICER1-related conditions. This variant is not present in population databases (gnomAD no frequency). This sequence change replaces phenylalanine, which is neutral and non-polar, with leucine, which is neutral and non-polar, at codon 1523 of the DICER1 protein (p.Phe1523Leu).